The following is an entry in ClinVar:

ClinVar aggregate classification (germline): Pathogenic (1 of 4 stars; one submission).

Conditions:
Glycine encephalopathy. Also called: Nonketotic hyperglycinemia; Non-ketotic hyperglycinemia. Identifiers: Orphanet 407, MedGen C0751748, MONDO:0011612, HP:0008288.

Submission:

Labcorp Genetics (formerly Invitae), Labcorp
Classification: Pathogenic for Glycine encephalopathy. Last evaluated: 2023-05-08. Review status: criteria provided, single submitter. Criteria: Invitae Variant Classification Sherloc (09022015). Collection method: clinical testing. Allele origin: germline.
Comment: This sequence change creates a premature translational stop signal (p.Asp742Valfs*2) in the GLDC gene. It is expected to result in an absent or disrupted protein product. Loss-of-function variants in GLDC are known to be pathogenic (PMID: 16601880). This variant is not present in population databases (gnomAD no frequency). For these reasons, this variant has been classified as Pathogenic. ClinVar contains an entry for this variant (Variation ID: 946338). This variant has not been reported in the literature in individuals affected with GLDC-related conditions.

Literature cited by the submitters: PubMed 16601880.

NM_000170.3(GLDC):c.2225_2232del (p.Asp742fs)

Gene: GLDC (glycine decarboxylase; minus strand). Cytogenetic location: 9p24.1.
Variant type: Deletion.
Coding change: c.2225_2232del on transcript NM_000170.3 (MANE Select); coding-DNA positions 2225 to 2232, 8 bases deleted (ACTTCGGG; older notation c.2225_2232delACTTCGGG).
Protein change: p.Asp742fs; shifts the reading frame from aspartic acid 742.
Molecular consequence: frameshift variant.
Genome position (GRCh38, 1-based): chr9:6,554,752-6,554,759, CCCGAAGT deleted on the plus strand (ACTTCGGG on the coding strand, the reverse complement: GLDC is on the minus strand); deleting any 8 consecutive bases within chr9:6,554,752-6,554,760 gives the same sequence; the c. name uses the placement nearest the transcript's 3' end. VCF-style (leftmost placement, unchanged base first): chr9-6554751-ACCCGAAGT-A. GRCh37 (hg19) VCF-style: chr9-6554751-ACCCGAAGT-A.
Other names: short protein forms D742fs.
Identifiers: ClinVar variation 946338 (VCV000946338.8), dbSNP rs1817584930, ClinGen allele CA1120882873.